The following is an entry in ClinVar:

ClinVar aggregate classification (germline): Uncertain significance. Review status: criteria provided, multiple submitters, no conflicts (2 of 4 stars). 2 submissions from 2 submitters: Uncertain significance (2). Last evaluated 2026-04-30.

Conditions:
Distal myopathy with posterior leg and anterior hand involvement. Also called: WILLIAMS DISTAL MYOPATHY. Identifiers: Orphanet 63273, MedGen C3279722, MONDO:0013550, OMIM 614065.
Myofibrillar myopathy 5. Also called: Filaminopathy (type); FILAMINOPATHY, AUTOSOMAL DOMINANT. Identifiers: Orphanet 171445, MedGen C1836050, MONDO:0012289, OMIM 609524.
Hypertrophic cardiomyopathy 26. Also called: Cardiomyopathy, familial hypertrophic, 26. Identifiers: Orphanet 75249, MedGen C4310749, MONDO:0014883, OMIM 617047.
Cardiovascular phenotype. Identifiers: MedGen CN230736.

Allele frequency attached by ClinVar (database versions not stated): gnomAD exomes 0.00001 and below 0.00001; ExAC 0.00001.
gnomAD v4.1: 4 of 1,613,912 alleles (0.00025%); highest among the groups gnomAD compares: Admixed American, 0.005%; no homozygotes.

Submissions (2):

Ambry Genetics
Classification: Uncertain significance for Cardiovascular phenotype. Last evaluated: 2026-04-30. Review status: criteria provided, single submitter. Criteria: Ambry Variant Classification Scheme 2023. Collection method: clinical testing. Allele origin: germline.
Comment: The p.R575W variant (also known as c.1723C>T), located in coding exon 11 of the FLNC gene, results from a C to T substitution at nucleotide position 1723. The arginine at codon 575 is replaced by tryptophan, an amino acid with dissimilar properties. This variant was reported in individual(s) with features consistent with skeletal myopathy or cardiomyopathy; however, clinical details were limited (Ader F et al. Med Sci (Paris), 2018 Nov;34 Hors s&eacute;rie n&deg;2:39-41; Jensson BO et al. N Engl J Med, 2023 Nov;389:1741-1752; Ambry internal data). This amino acid position is highly conserved in available vertebrate species. In addition, this alteration is predicted to be deleterious by in silico analysis. Based on the available evidence, the clinical significance of this variant remains unclear.

Labcorp Genetics (formerly Invitae), Labcorp
Classification: Uncertain significance for Distal myopathy with posterior leg and anterior hand involvement; Myofibrillar myopathy 5; Hypertrophic cardiomyopathy 26. Last evaluated: 2024-12-17. Review status: criteria provided, single submitter. Criteria: Invitae Variant Classification Sherloc (09022015). Collection method: clinical testing. Allele origin: germline.
Comment: This sequence change replaces arginine, which is basic and polar, with tryptophan, which is neutral and slightly polar, at codon 575 of the FLNC protein (p.Arg575Trp). This variant is present in population databases (rs761117952, gnomAD 0.009%). This missense change has been observed in individual(s) with FLNC-related conditions (PMID: 25617006, 30418145, 37937776). ClinVar contains an entry for this variant (Variation ID: 656682). Invitae Evidence Modeling of protein sequence and biophysical properties (such as structural, functional, and spatial information, amino acid conservation, physicochemical variation, residue mobility, and thermodynamic stability) has been performed for this missense variant. However, the output from this modeling did not meet the statistical confidence thresholds required to predict the impact of this variant on FLNC protein function. Algorithms developed to predict the effect of sequence changes on RNA splicing suggest that this variant may disrupt the consensus splice site. In summary, the available evidence is currently insufficient to determine the role of this variant in disease. Therefore, it has been classified as a Variant of Uncertain Significance.

Literature cited by the submitters: PubMed 30418145 (cited by Ambry Genetics and Labcorp Genetics (formerly Invitae), Labcorp); PubMed 37937776 (cited by Ambry Genetics and Labcorp Genetics (formerly Invitae), Labcorp); PubMed 25617006 (cited by Labcorp Genetics (formerly Invitae), Labcorp).

NM_001458.5(FLNC):c.1723C>T (p.Arg575Trp)

Gene: FLNC (filamin C; plus strand). Cytogenetic location: 7q32.1.
Variant type: single nucleotide variant.
Coding change: c.1723C>T on transcript NM_001458.5 (MANE Select); coding-DNA position 1723, C replaced by T.
Protein change: p.Arg575Trp; replaces arginine 575 with tryptophan.
Molecular consequence: missense variant.
Genome position (GRCh38, 1-based): chr7:128,840,880, C>T. VCF-style: chr7-128840880-C-T. GRCh37 (hg19) VCF-style: chr7-128480934-C-T.
Other names: c.1723C>T, p.Arg575Trp (NM_001127487.2); short protein forms R575W.
Identifiers: ClinVar variation 656682 (VCV000656682.12), dbSNP rs761117952, ClinGen allele CA4474459.